The following is an entry in ClinVar:

NM_000834.5(GRIN2B):c.4311C>T (p.Ala1437=)

Gene: GRIN2B (glutamate ionotropic receptor NMDA type subunit 2B; minus strand). Cytogenetic location: 12p13.1.
Variant type: single nucleotide variant.
Coding change: c.4311C>T on transcript NM_000834.5 (MANE Select); coding-DNA position 4311, C replaced by T.
Protein change: p.Ala1437=; no amino-acid change (alanine 1437 retained).
Molecular consequence: synonymous variant.
Genome position (GRCh38, 1-based): chr12:13,562,927, G>A on the plus strand (C>T on the coding strand, the complement: GRIN2B is on the minus strand). VCF-style: chr12-13562927-G-A. GRCh37 (hg19) VCF-style: chr12-13715861-G-A.
Identifiers: ClinVar variation 245624 (VCV000245624.24), dbSNP rs112265127, ClinGen allele CA6460746.

ClinVar aggregate classification (germline): Benign/Likely benign. Review status: criteria provided, multiple submitters, no conflicts (2 of 4 stars). 7 submissions from 7 submitters: Benign (1); Likely benign (6). Last evaluated 2026-05-06.

Conditions:
GRIN2B-related disorder. Also called: GRIN2B-related condition.
Inborn genetic diseases. Identifiers: MedGen C0950123, MeSH D030342.
Intellectual developmental disorder, autosomal dominant 6, with or without seizures. Also called: Intellectual disability, autosomal dominant 6; GRIN2B-related developmental delay, intellectual disability and autism spectrum disorder. Identifiers: Orphanet 589547, MedGen C3151411, MONDO:0013509, OMIM 613970.
Developmental and epileptic encephalopathy, 27 (DEE27). Also called: Epileptic encephalopathy, early infantile, 27; GRIN2B-Related Neurodevelopmental Disorder. Identifiers: Orphanet 3451, MedGen C4015316, MONDO:0014505, OMIM 616139.

Allele frequency attached by ClinVar (database versions not stated): TOPMed 0.00006; gnomAD 0.00009 and 0.00013; 1000 Genomes Project 30x 0.00078; 1000 Genomes Project 0.00100.
gnomAD v4.1: 79 of 1,614,222 alleles (0.0049%); highest among the groups gnomAD compares: African/African-American, 0.067%; 1 homozygote.

Submissions (7):

PreventionGenetics, part of Exact Sciences
Classification: Likely benign for GRIN2B-related condition. Last evaluated: 2026-05-06. Review status: criteria provided, single submitter. Criteria: ACMG Guidelines, 2015. Collection method: clinical testing. Allele origin: germline.
Comment: This variant is classified as likely benign based on ACMG/AMP sequence variant interpretation guidelines (Richards et al. 2015 PMID: 25741868, with internal and published modifications).

Labcorp Genetics (formerly Invitae), Labcorp
Classification: Likely benign for Developmental and epileptic encephalopathy, 27; Intellectual developmental disorder, autosomal dominant 6, with or without seizures. Last evaluated: 2026-01-11. Review status: criteria provided, single submitter. Criteria: Invitae Variant Classification Sherloc (09022015). Collection method: clinical testing. Allele origin: germline.

Blueprint Genetics
Classification: Likely benign. Last evaluated: 2024-10-23. Review status: criteria provided, single submitter. Criteria: ACMG Guidelines, 2015. Collection method: clinical testing. Allele origin: germline.

ARUP Laboratories, Molecular Genetics and Genomics, ARUP Laboratories
Classification: Likely benign. Last evaluated: 2023-09-18. Review status: criteria provided, single submitter. Criteria: ARUP Molecular Germline Variant Investigation Process 2024. Collection method: clinical testing. Allele origin: germline.

Genetic Services Laboratory, University of Chicago
Classification: Likely benign. Last evaluated: 2017-03-03. Review status: criteria provided, single submitter. Criteria: ACMG Guidelines, 2015. Collection method: clinical testing. Allele origin: germline. Affected: no.

Ambry Genetics
Classification: Likely benign for Inborn genetic diseases. Last evaluated: 2016-06-21. Review status: criteria provided, single submitter. Criteria: Ambry Variant Classification Scheme 2023. Collection method: clinical testing. Allele origin: germline.

GeneDx
Classification: Benign. Last evaluated: 2015-05-07. Review status: criteria provided, single submitter. Criteria: GeneDx Variant Classification (06012015). Collection method: clinical testing. Allele origin: germline. Affected: yes.
Comment: This variant is considered likely benign or benign based on one or more of the following criteria: it is a conservative change, it occurs at a poorly conserved position in the protein, it is predicted to be benign by multiple in silico algorithms, and/or has population frequency not consistent with disease.